The following is an entry in ClinVar:

NM_004612.4(TGFBR1):c.294A>G (p.Thr98=)

Gene: TGFBR1 (transforming growth factor beta receptor 1; plus strand). Cytogenetic location: 9q22.33.
Variant type: single nucleotide variant.
Coding change: c.294A>G on transcript NM_004612.4 (MANE Select); coding-DNA position 294, A replaced by G.
Protein change: p.Thr98=; no amino-acid change (threonine 98 retained).
Molecular consequence: synonymous variant.
Genome position (GRCh38, 1-based): chr9:99,129,051, A>G. VCF-style: chr9-99129051-A-G. GRCh37 (hg19) VCF-style: chr9-101891333-A-G.
Other names: c.294A>G, p.Thr98= (NM_001130916.3, NM_001306210.2); c.294A>G (NM_004612.2).
Identifiers: ClinVar variation 918266 (VCV000918266.26), dbSNP rs747332492, ClinGen allele CA466648351.

ClinVar aggregate classification (germline): Likely benign. Review status: criteria provided, multiple submitters, no conflicts (2 of 4 stars). 5 submissions from 5 submitters: Likely benign (5). Last evaluated 2024-09-01.

Conditions:
Familial thoracic aortic aneurysm and aortic dissection (TAAD). Also called: Thoracic aortic aneurysms and dissections. Identifiers: Orphanet 91387, MedGen C4707243, MONDO:0019625.
Loeys-Dietz syndrome (LDS). Identifiers: Orphanet 60030, MedGen C2697932, MONDO:0018954.

Allele frequency attached by ClinVar (database versions not stated): TOPMed below 0.00001.
gnomAD v4.1: 5 of 1,613,990 alleles (0.00031%); highest among the groups gnomAD compares: Admixed American, 0.0083%; no homozygotes.

Submissions (5):

CeGaT Center for Human Genetics Tuebingen
Classification: Likely benign. Last evaluated: 2024-09-01. Review status: criteria provided, single submitter. Criteria: CeGaT Center For Human Genetics Tuebingen Variant Classification Criteria Version 2. Collection method: clinical testing. Allele origin: germline. Affected: yes. Observed: 1 variant allele.
Comment: TGFBR1: BP4, BP7

Ambry Genetics
Classification: Likely benign for Familial thoracic aortic aneurysm and aortic dissection. Last evaluated: 2024-05-02. Review status: criteria provided, single submitter. Criteria: Ambry Variant Classification Scheme 2023. Collection method: clinical testing. Allele origin: germline.

Labcorp Genetics (formerly Invitae), Labcorp
Classification: Likely benign for Familial thoracic aortic aneurysm and aortic dissection. Last evaluated: 2024-03-21. Review status: criteria provided, single submitter. Criteria: Invitae Variant Classification Sherloc (09022015). Collection method: clinical testing. Allele origin: germline.

All of Us Research Program, National Institutes of Health
Classification: Likely benign for Loeys-Dietz syndrome. Last evaluated: 2023-05-16. Review status: criteria provided, single submitter. Criteria: ACMG Guidelines, 2015. Collection method: clinical testing. Allele origin: germline. Inheritance: Autosomal dominant inheritance. Observed: 3 variant alleles, 3 heterozygotes.
Comment: This study involves interpretation of variants in research participants for the purpose of population health screening. Participant phenotype was not available at the time of variant classification. Additional details can be found in publication PMID: 35346344, PMCID: PMC8962531

Color Diagnostics, LLC DBA Color Health
Classification: Likely benign for Familial thoracic aortic aneurysm and aortic dissection. Last evaluated: 2019-05-13. Review status: criteria provided, single submitter. Criteria: ACMG Guidelines, 2015. Collection method: clinical testing. Allele origin: germline.